The following is an entry in ClinVar:

ClinVar aggregate classification (germline): Uncertain significance (1 of 4 stars; one submission).

Allele frequency attached by ClinVar (database versions not stated): gnomAD exomes 0.00001.

Submission:

Labcorp Genetics (formerly Invitae), Labcorp
Classification: Uncertain significance. Last evaluated: 2022-02-23. Review status: criteria provided, single submitter. Criteria: Invitae Variant Classification Sherloc (09022015). Collection method: clinical testing. Allele origin: germline.
Comment: This sequence change affects a donor splice site in intron 17 of the CACNA2D4 gene. It is expected to disrupt RNA splicing. Variants that disrupt the donor or acceptor splice site typically lead to a loss of protein function (PMID: 16199547), however the current clinical and genetic evidence is not sufficient to establish whether loss-of-function variants in CACNA2D4 cause disease. In summary, the available evidence is currently insufficient to determine the role of this variant in disease. Therefore, it has been classified as a Variant of Uncertain Significance. Algorithms developed to predict the effect of sequence changes on RNA splicing suggest that this variant may disrupt the consensus splice site. This variant has not been reported in the literature in individuals affected with CACNA2D4-related conditions. This variant is present in population databases (no rsID available, gnomAD no frequency).

Literature cited by the submitters: PubMed 16199547.

NM_172364.5(CACNA2D4):c.1806+1G>A

Gene: CACNA2D4 (calcium voltage-gated channel auxiliary subunit alpha2delta 4; minus strand). Cytogenetic location: 12p13.33.
Variant type: single nucleotide variant.
Coding change: c.1806+1G>A on transcript NM_172364.5 (MANE Select); the canonical splice donor site of the intron after coding-DNA position 1806, G replaced by A.
Molecular consequence: splice donor variant.
Genome position (GRCh38, 1-based): chr12:1,875,250, C>T on the plus strand (G>A on the coding strand, the complement: CACNA2D4 is on the minus strand). VCF-style: chr12-1875250-C-T. GRCh37 (hg19) VCF-style: chr12-1984416-C-T.
Identifiers: ClinVar variation 1347536 (VCV001347536.6), dbSNP rs1410249387, ClinGen allele CA383351029.